The following is an entry in ClinVar:

NM_000059.4(BRCA2):c.8385del (p.Pro2796fs)

Gene: BRCA2 (BRCA2 DNA repair associated; plus strand). Cytogenetic location: 13q13.1.
Variant type: Deletion.
Coding change: c.8385del on transcript NM_000059.4 (MANE Select); coding-DNA position 8385, one base deleted (T; older notation c.8385delT).
Protein change: p.Pro2796fs; shifts the reading frame from proline 2796.
Molecular consequence: frameshift variant.
Genome position (GRCh38, 1-based): chr13:32,370,455, T deleted; the last of 3 consecutive T bases (chr13:32,370,453-32,370,455); deleting any one gives the same sequence. VCF-style (leftmost placement, unchanged base first): chr13-32370452-CT-C. GRCh37 (hg19) VCF-style: chr13-32944589-CT-C.
Other names: 8613delT; short protein forms P2796fs.
Identifiers: ClinVar variation 267078 (VCV000267078.5), dbSNP rs886040767, ClinGen allele CA10589490.

ClinVar aggregate classification (germline): Pathogenic. Review status: reviewed by expert panel (3 of 4 stars). 2 submissions from 2 submitters: Pathogenic (1). 1 of the submissions does not count toward it. Last evaluated 2016-10-18.

Conditions:
Breast-ovarian cancer, familial, susceptibility to, 2 (BROVCA2). Also called: BRCA2 Hereditary Breast and Ovarian Cancer. Identifiers: Orphanet 145, MedGen C2675520, MONDO:0012933, OMIM 612555. Disease mechanism: loss of function.

Submissions (2):

Evidence-based Network for the Interpretation of Germline Mutant Alleles (ENIGMA)
Classification: Pathogenic for Breast-ovarian cancer, familial, susceptibility to, 2. Last evaluated: 2016-10-18. Review status: reviewed by expert panel. Criteria: ENIGMA BRCA1/2 Classification Criteria (2015). Collection method: curation. Allele origin: germline.
Comment: Variant allele predicted to encode a truncated non-functional protein.

Consortium of Investigators of Modifiers of BRCA1/2 (CIMBA), c/o University of Cambridge
Classification: Pathogenic for Breast-ovarian cancer, familial, susceptibility to, 2. Last evaluated: 2015-10-02. Review status: criteria provided, single submitter. Criteria: CIMBA Mutation Classification guidelines May 2016. Collection method: clinical testing. Allele origin: germline. Not counted in ClinVar's aggregate classification.